The following is an entry in ClinVar:

ClinVar aggregate classification (germline): Uncertain significance (1 of 4 stars; one submission).

Allele frequency attached by ClinVar (database versions not stated): gnomAD exomes below 0.00001.
gnomAD v4.1: 1 of 1,210,935 alleles (0.000083%); highest among the groups gnomAD compares: Non-Finnish European, 0.00011%; no homozygotes.

Submission:

GeneDx
Classification: Uncertain significance. Last evaluated: 2022-08-25. Review status: criteria provided, single submitter. Criteria: GeneDx Variant Classification Process June 2021. Collection method: clinical testing. Allele origin: germline. Affected: yes.
Comment: Not observed at significant frequency in large population cohorts (gnomAD); In silico analysis supports that this missense variant has a deleterious effect on protein structure/function; Has not been previously published as pathogenic or benign to our knowledge

NM_001008537.3(NEXMIF):c.1376G>A (p.Cys459Tyr)

Gene: NEXMIF (neurite extension and migration factor; minus strand). Cytogenetic location: Xq13.3.
Variant type: single nucleotide variant.
Coding change: c.1376G>A on transcript NM_001008537.3 (MANE Select); coding-DNA position 1376, G replaced by A.
Protein change: p.Cys459Tyr; replaces cysteine 459 with tyrosine.
Molecular consequence: missense variant.
Genome position (GRCh38, 1-based): chrX:74,743,181, C>T on the plus strand (G>A on the coding strand, the complement: NEXMIF is on the minus strand). VCF-style: chrX-74743181-C-T. GRCh37 (hg19) VCF-style: chrX-73963016-C-T.
Other names: short protein forms C459Y.
Identifiers: ClinVar variation 2430860 (VCV002430860.1), dbSNP rs2519915467, ClinGen allele CA413670645.
Genomic context (GRCh38, chrX:74,743,181, plus strand): 5'-CCATAGTTCTGTTGGGAGGAGGAGCTGCCAGAATTAGTGTCCCGAGCCATATAGCGACTA[C>T]AGTCCTTGATCTCACCCATAGCATCATATGAGATCTCAATGAAGGAACTATCATCACTGA-3'
Protein context (NP_001008537.1, residues 449-469): SYDAMGEIKD[Cys459Tyr]SRYMARDTNS